The following is an entry in ClinVar:

NM_001172509.2(SATB2):c.1000G>T (p.Ala334Ser)

Gene: SATB2 (SATB homeobox 2; minus strand). Cytogenetic location: 2q33.1.
Variant type: single nucleotide variant.
Coding change: c.1000G>T on transcript NM_001172509.2 (MANE Select); coding-DNA position 1000, G replaced by T.
Protein change: p.Ala334Ser; replaces alanine 334 with serine.
Molecular consequence: missense variant.
Genome position (GRCh38, 1-based): chr2:199,348,874, C>A on the plus strand (G>T on the coding strand, the complement: SATB2 is on the minus strand). VCF-style: chr2-199348874-C-A. GRCh37 (hg19) VCF-style: chr2-200213597-C-A.
Other names: c.1000G>T, p.Ala334Ser (NM_001172517.1, NM_015265.4); short protein forms A334S.
Identifiers: ClinVar variation 4746437 (VCV004746437.1).

ClinVar aggregate classification (germline): Uncertain significance (1 of 4 stars; one submission).

Conditions:
Chromosome 2q32-q33 deletion syndrome (GLASS). Also called: Glass syndrome; 2q33.1 deletion syndrome. Identifiers: Orphanet 251019, MedGen C2676739, MONDO:0012864, OMIM 612313.

Submission:

Labcorp Genetics (formerly Invitae), Labcorp
Classification: Uncertain significance for Chromosome 2q32-q33 deletion syndrome. Last evaluated: 2025-05-18. Review status: criteria provided, single submitter. Criteria: Invitae Variant Classification Sherloc (09022015). Collection method: clinical testing. Allele origin: germline.
Comment: This sequence change replaces alanine, which is neutral and non-polar, with serine, which is neutral and polar, at codon 334 of the SATB2 protein (p.Ala334Ser). This variant is not present in population databases (gnomAD no frequency). This variant has not been reported in the literature in individuals affected with SATB2-related conditions. Invitae Evidence Modeling of protein sequence and biophysical properties (such as structural, functional, and spatial information, amino acid conservation, physicochemical variation, residue mobility, and thermodynamic stability) indicates that this missense variant is not expected to disrupt SATB2 protein function with a negative predictive value of 80%. In summary, the available evidence is currently insufficient to determine the role of this variant in disease. Therefore, it has been classified as a Variant of Uncertain Significance.